The following is an entry in ClinVar:

NM_001042492.3(NF1):c.3114-6C>T

Gene: NF1 (neurofibromin 1; plus strand). Cytogenetic location: 17q11.2.
Variant type: single nucleotide variant.
Coding change: c.3114-6C>T on transcript NM_001042492.3 (MANE Select); 6 bases into the intron before coding-DNA position 3114, C replaced by T.
Molecular consequence: intron variant.
Genome position (GRCh38, 1-based): chr17:31,230,836, C>T. VCF-style: chr17-31230836-C-T. GRCh37 (hg19) VCF-style: chr17-29557854-C-T.
Other names: c.3114-6C>T (NM_000267.4).
Identifiers: ClinVar variation 2026974 (VCV002026974.5), dbSNP rs778907360, ClinGen allele CA8486095.

ClinVar aggregate classification (germline): Likely benign. Review status: criteria provided, multiple submitters, no conflicts (2 of 4 stars). 2 submissions from 2 submitters: Likely benign (2). Last evaluated 2026-09-23.

Conditions:
Neurofibromatosis, type 1 (NF1). Also called: VON RECKLINGHAUSEN DISEASE; Peripheral type neurofibromatosis; Neurofibromatosis, type I; NEUROFIBROMATOSIS, TYPE I, SOMATIC. Identifiers: Orphanet 636, MedGen C0027831, MONDO:0018975, OMIM 162200. Disease mechanism: loss of function.

Allele frequency attached by ClinVar (database versions not stated): TOPMed below 0.00001; gnomAD 0.00001.

Submissions (2):

Myriad Genetics, Inc.
Classification: Likely benign for Neurofibromatosis, type 1. Last evaluated: 2026-09-23. Review status: criteria provided, single submitter. Criteria: Myriad Autosomal Dominant, Autosomal Recessive and X-Linked Classification Criteria (2023). Collection method: clinical testing. Allele origin: unknown.
Comment: This variant is considered likely benign. This variant is intronic and is not expected to impact mRNA splicing.

Labcorp Genetics (formerly Invitae), Labcorp
Classification: Likely benign for Neurofibromatosis, type 1. Last evaluated: 2024-06-12. Review status: criteria provided, single submitter. Criteria: Invitae Variant Classification Sherloc (09022015). Collection method: clinical testing. Allele origin: germline.